The following is an entry in ClinVar:

NM_000338.3(SLC12A1):c.549G>T (p.Val183=)

Gene: SLC12A1 (solute carrier family 12 member 1; plus strand). Cytogenetic location: 15q21.1.
Variant type: single nucleotide variant.
Coding change: c.549G>T on transcript NM_000338.3 (MANE Select); coding-DNA position 549, G replaced by T.
Protein change: p.Val183=; no amino-acid change (valine 183 retained).
Molecular consequence: synonymous variant.
Genome position (GRCh38, 1-based): chr15:48,220,762, G>T. VCF-style: chr15-48220762-G-T. GRCh37 (hg19) VCF-style: chr15-48512959-G-T.
Other names: p.Val183=; c.549G>T, p.Val183= (NM_001184832.2, NM_001384136.1).
Identifiers: ClinVar variation 3673298 (VCV003673298.3).

ClinVar aggregate classification (germline): Likely benign. Review status: criteria provided, multiple submitters, no conflicts (2 of 4 stars). 2 submissions from 2 submitters: Likely benign (2). Last evaluated 2025-09-26.

Submissions (2):

Mayo Clinic Laboratories, Mayo Clinic
Classification: Likely benign. Last evaluated: 2025-09-26. Review status: criteria provided, single submitter. Criteria: ACMG Guidelines, 2015. Collection method: clinical testing. Allele origin: germline. Observed: 1 variant allele.
Comment: BP4, BP7, PM2_supporting

Labcorp Genetics (formerly Invitae), Labcorp
Classification: Likely benign. Last evaluated: 2024-02-11. Review status: criteria provided, single submitter. Criteria: Invitae Variant Classification Sherloc (09022015). Collection method: clinical testing. Allele origin: germline.